The following is an entry in ClinVar:

ClinVar aggregate classification (germline): Uncertain significance (0 of 4 stars; one submission).

Conditions:
ABCA13-related disorder. Also called: ABCA13-related condition.

Submission:

PreventionGenetics, part of Exact Sciences
Classification: Uncertain significance for ABCA13-related condition. Last evaluated: 2024-08-26. Review status: no assertion criteria provided. Collection method: clinical testing. Allele origin: germline.
Comment: The ABCA13 c.3787G>T variant is predicted to result in the amino acid substitution p.Ala1263Ser. To our knowledge, this variant has not been reported in the literature or in a large population database, indicating this variant is rare. At this time, the clinical significance of this variant is uncertain due to the absence of conclusive functional and genetic evidence.

NM_152701.5(ABCA13):c.3787G>T (p.Ala1263Ser)

Gene: ABCA13 (ATP binding cassette subfamily A member 13; plus strand). Cytogenetic location: 7p12.3.
Variant type: single nucleotide variant.
Coding change: c.3787G>T on transcript NM_152701.5 (MANE Select); coding-DNA position 3787, G replaced by T.
Protein change: p.Ala1263Ser; replaces alanine 1263 with serine.
Molecular consequence: missense variant.
Genome position (GRCh38, 1-based): chr7:48,273,453, G>T. VCF-style: chr7-48273453-G-T. GRCh37 (hg19) VCF-style: chr7-48313050-G-T.
Other names: short protein forms A1263S.
Identifiers: ClinVar variation 3346285 (VCV003346285.1).
Genomic context (GRCh38, chr7:48,273,453, plus strand): 5'-GTTTCAGTAAAAAAACTTAACTTGGAGCAAGTGGAGAAATCCCTTTTCACCATGGAAGCT[G>T]CCCTGCATCAGTTGAAGACATTTCCATTCAACGAAAGTACAAGCAGAGAGTTTTTAAATT-3'
Protein context (NP_689914.3, residues 1253-1273): VEKSLFTMEA[Ala1263Ser]LHQLKTFPFN